The following is an entry in ClinVar:

ClinVar aggregate classification (germline): Benign. Review status: criteria provided, multiple submitters, no conflicts (2 of 4 stars). 2 submissions from 2 submitters: Benign (2). Last evaluated 2018-06-16.

Allele frequency attached by ClinVar (database versions not stated): gnomAD 0.01567 and 0.01674; 1000 Genomes Project 0.01737; TOPMed 0.01770; 1000 Genomes Project 30x 0.01952.
gnomAD v4.1: 4,637 of 1,606,126 alleles (0.29%); highest among the groups gnomAD compares: African/African-American, 5.4%; 118 homozygotes.

Submissions (2):

GeneDx
Classification: Benign. Last evaluated: 2018-06-16. Review status: criteria provided, single submitter. Criteria: GeneDx Variant Classification (06012015). Collection method: clinical testing. Allele origin: germline. Affected: yes.
Comment: This variant is considered likely benign or benign based on one or more of the following criteria: it is a conservative change, it occurs at a poorly conserved position in the protein, it is predicted to be benign by multiple in silico algorithms, and/or has population frequency not consistent with disease.

Breakthrough Genomics
Classification: Benign. Review status: criteria provided, single submitter. Criteria: ACMG Guidelines, 2015. Collection method: not provided. Allele origin: germline. Inheritance: Autosomal dominant inheritance. Affected: yes.

NM_001130823.3(DNMT1):c.3523+90C>G

Gene: DNMT1 (DNA methyltransferase 1; minus strand). Cytogenetic location: 19p13.2.
Variant type: single nucleotide variant.
Coding change: c.3523+90C>G on transcript NM_001130823.3 (MANE Select); 90 bases into the intron after coding-DNA position 3523, C replaced by G.
Molecular consequence: intron variant.
Genome position (GRCh38, 1-based): chr19:10,140,691, G>C on the plus strand (C>G on the coding strand, the complement: DNMT1 is on the minus strand). VCF-style: chr19-10140691-G-C. GRCh37 (hg19) VCF-style: chr19-10251367-G-C.
Other names: c.3160+90C>G (NM_001318731.2); c.3475+90C>G (NM_001379.4, NM_001318730.2).
Identifiers: ClinVar variation 678898 (VCV000678898.2), dbSNP rs10408180, ClinGen allele CA305221090.
Genomic context (GRCh38, chr19:10,140,691, plus strand): 5'-GTGCTGGGATTACAGGCGTGCGCCACCGTGCCTGGCCTCGGAAGGAGATTCTTGAGTCAG[G>C]AAGGTGACCGGGGTTGGAAGTCGTTTCAGGTAGCACCTGCCCGGTCTGGGCTCACCAGGT-3'